The following is an entry in ClinVar:

ClinVar aggregate classification (germline): not provided (0 of 4 stars; one submission).

Allele frequency attached by ClinVar (database versions not stated): gnomAD 0.00001; gnomAD exomes 0.00001 and 0.00002; TOPMed 0.00001; ExAC 0.00003.
gnomAD v4.1: 21 of 1,613,482 alleles (0.0013%); highest among the groups gnomAD compares: South Asian, 0.0066%; no homozygotes.

Submission:

ITMI
No classification provided. Condition: AllHighlyPenetrant. Last evaluated: 2013-09-19. Review status: no classification provided. Collection method: reference population. Allele origin: germline.
Comment: Please see associated publication for description of ethnicities

Literature cited by the submitters: PubMed 24728327.

NM_001386298.1(CIC):c.6556C>T (p.Arg2186Cys)

Gene: CIC (capicua transcriptional repressor; plus strand). Cytogenetic location: 19q13.2.
Variant type: single nucleotide variant.
Coding change: c.6556C>T on transcript NM_001386298.1 (MANE Select); coding-DNA position 6556, C replaced by T.
Protein change: p.Arg2186Cys; replaces arginine 2186 with cysteine.
Molecular consequence: missense variant.
Genome position (GRCh38, 1-based): chr19:42,293,625, C>T. VCF-style: chr19-42293625-C-T. GRCh37 (hg19) VCF-style: chr19-42797777-C-T.
Other names: c.6556C>T, p.Arg2186Cys (NM_001304815.2, NM_001379482.1); c.6553C>T, p.Arg2185Cys (NM_001379480.1); c.3829C>T, p.Arg1277Cys (NM_001379484.1, NM_001379485.1, NM_015125.5); short protein forms R1277C, R2186C, R2185C.
Identifiers: ClinVar variation 133915 (VCV000133915.1), dbSNP rs587778206, ClinGen allele CA158148.